The following is an entry in ClinVar:

ClinVar aggregate classification (germline): Uncertain significance. Review status: criteria provided, multiple submitters, no conflicts (2 of 4 stars). 4 submissions from 4 submitters: Uncertain significance (3). 1 of the submissions does not count toward it. Last evaluated 2025-10-08.

Conditions:
ANLN-related disorder. Also called: ANLN-related condition.

Allele frequency attached by ClinVar (database versions not stated): gnomAD 0.00001; TOPMed 0.00003; ExAC 0.00009.
gnomAD v4.1: 47 of 1,614,022 alleles (0.0029%); highest among the groups gnomAD compares: East Asian, 0.011%; no homozygotes.

Submissions (4):

Mayo Clinic Laboratories, Mayo Clinic
Classification: Uncertain significance. Last evaluated: 2025-10-08. Review status: criteria provided, single submitter. Criteria: ACMG Guidelines, 2015. Collection method: clinical testing. Allele origin: germline. Observed: 1 variant allele.
Comment: BP4_moderate

Ambry Genetics
Classification: Uncertain significance. Last evaluated: 2025-08-06. Review status: criteria provided, single submitter. Criteria: Ambry Variant Classification Scheme 2023. Collection method: clinical testing. Allele origin: germline.

Labcorp Genetics (formerly Invitae), Labcorp
Classification: Uncertain significance. Last evaluated: 2023-08-03. Review status: criteria provided, single submitter. Criteria: Invitae Variant Classification Sherloc (09022015). Collection method: clinical testing. Allele origin: germline.
Comment: In summary, the available evidence is currently insufficient to determine the role of this variant in disease. Therefore, it has been classified as a Variant of Uncertain Significance. An algorithm developed to predict the effect of missense changes on protein structure and function (PolyPhen-2) suggests that this variant is likely to be disruptive. ClinVar contains an entry for this variant (Variation ID: 2225274). This variant has not been reported in the literature in individuals affected with ANLN-related conditions. This variant is present in population databases (rs758181302, gnomAD 0.009%). This sequence change replaces proline, which is neutral and non-polar, with leucine, which is neutral and non-polar, at codon 120 of the ANLN protein (p.Pro120Leu).

PreventionGenetics, part of Exact Sciences
Classification: Uncertain significance for ANLN-related condition. Last evaluated: 2024-07-22. Review status: no assertion criteria provided. Collection method: clinical testing. Allele origin: germline. Not counted in ClinVar's aggregate classification.
Comment: The ANLN c.359C>T variant is predicted to result in the amino acid substitution p.Pro120Leu. To our knowledge, this variant has not been reported in the literature. This variant is reported in 0.0088% of alleles in individuals of European (non-Finnish) descent in gnomAD. At this time, the clinical significance of this variant is uncertain due to the absence of conclusive functional and genetic evidence.

NM_018685.5(ANLN):c.359C>T (p.Pro120Leu)

Gene: ANLN (anillin, actin binding protein; plus strand). Cytogenetic location: 7p14.2.
Variant type: single nucleotide variant.
Coding change: c.359C>T on transcript NM_018685.5 (MANE Select); coding-DNA position 359, C replaced by T.
Protein change: p.Pro120Leu; replaces proline 120 with leucine.
Molecular consequence: missense variant.
Genome position (GRCh38, 1-based): chr7:36,399,265, C>T. VCF-style: chr7-36399265-C-T. GRCh37 (hg19) VCF-style: chr7-36438874-C-T.
Other names: p.Pro120Leu; c.359C>T (NM_018685.4); c.359C>T, p.Pro120Leu (NM_001284301.3, NM_001284302.3); short protein forms P120L.
Identifiers: ClinVar variation 2225274 (VCV002225274.8), dbSNP rs758181302, ClinGen allele CA4219328.